The following is an entry in ClinVar:

ClinVar aggregate classification (germline): Uncertain significance. Review status: criteria provided, multiple submitters, no conflicts (2 of 4 stars). 2 submissions from 2 submitters: Uncertain significance (2). Last evaluated 2023-07-27.

Submissions (2):

GeneDx
Classification: Uncertain significance. Last evaluated: 2023-07-27. Review status: criteria provided, single submitter. Criteria: GeneDx Variant Classification Process June 2021. Collection method: clinical testing. Allele origin: germline. Affected: yes.
Comment: Not observed at significant frequency in large population cohorts (gnomAD); In silico analysis supports that this missense variant has a deleterious effect on protein structure/function; Has not been previously published as pathogenic or benign to our knowledge

Labcorp Genetics (formerly Invitae), Labcorp
Classification: Uncertain significance. Last evaluated: 2023-06-25. Review status: criteria provided, single submitter. Criteria: Invitae Variant Classification Sherloc (09022015). Collection method: clinical testing. Allele origin: germline.
Comment: In summary, the available evidence is currently insufficient to determine the role of this variant in disease. Therefore, it has been classified as a Variant of Uncertain Significance. Advanced modeling of protein sequence and biophysical properties (such as structural, functional, and spatial information, amino acid conservation, physicochemical variation, residue mobility, and thermodynamic stability) performed at Invitae indicates that this missense variant is expected to disrupt HNRNPK protein function. This variant has not been reported in the literature in individuals affected with HNRNPK-related conditions. This variant is not present in population databases (gnomAD no frequency). This sequence change replaces proline, which is neutral and non-polar, with histidine, which is basic and polar, at codon 227 of the HNRNPK protein (p.Pro227His).

NM_031263.4(HNRNPK):c.680C>A (p.Pro227His)

Genes: HNRNPK (heterogeneous nuclear ribonucleoprotein K; minus strand), HNRNPK-AS1 (HNRNPK antisense RNA 1; plus strand). Cytogenetic location: 9q21.32.
Variant type: single nucleotide variant.
Coding change: c.680C>A on transcript NM_031263.4 (MANE Select); coding-DNA position 680, C replaced by A.
Protein change: p.Pro227His; replaces proline 227 with histidine.
Molecular consequence: missense variant. On other transcripts: non-coding transcript variant (1).
Genome position (GRCh38, 1-based): chr9:83,972,155, G>T on the plus strand (C>A on the coding strand, the complement: HNRNPK is on the minus strand). VCF-style: chr9-83972155-G-T. GRCh37 (hg19) VCF-style: chr9-86587070-G-T.
Other names: c.680C>A (NM_002140.3); c.608C>A, p.Pro203His (NM_001318186.2, NM_001318187.2); c.680C>A, p.Pro227His (NM_001318188.2, NM_002140.5, NM_031262.4); short protein forms P227H, P203H.
Identifiers: ClinVar variation 2729346 (VCV002729346.4), dbSNP rs2491971550, ClinGen allele CA373925064.